The following is an entry in ClinVar:

ClinVar aggregate classification (germline): Uncertain significance (1 of 4 stars; one submission).

Conditions:
Autosomal dominant nocturnal frontal lobe epilepsy 5. Also called: Epilepsy, nocturnal frontal lobe, 5; CILIARY DYSKINESIA, PRIMARY, 28, WITHOUT SITUS INVERSUS; CILIARY DYSKINESIA, PRIMARY, 28, WITH SITUS INVERSUS; KCNT1-Related Epilepsy. Identifiers: Orphanet 98784, MedGen C3554306, MONDO:0014002, OMIM 615005.
Developmental and epileptic encephalopathy, 14 (DEE14). Also called: Early infantile epileptic encephalopathy 14. Identifiers: Orphanet 293181, MedGen C3554195, MONDO:0013989, OMIM 614959.

Submission:

Labcorp Genetics (formerly Invitae), Labcorp
Classification: Uncertain significance for Autosomal dominant nocturnal frontal lobe epilepsy 5; Developmental and epileptic encephalopathy, 14. Last evaluated: 2022-06-27. Review status: criteria provided, single submitter. Criteria: Invitae Variant Classification Sherloc (09022015). Collection method: clinical testing. Allele origin: germline.
Comment: In summary, the available evidence is currently insufficient to determine the role of this variant in disease. Therefore, it has been classified as a Variant of Uncertain Significance. This sequence change replaces serine, which is neutral and polar, with proline, which is neutral and non-polar, at codon 1144 of the KCNT1 protein (p.Ser1144Pro). This variant is not present in population databases (gnomAD no frequency). This variant has not been reported in the literature in individuals affected with KCNT1-related conditions. Advanced modeling of protein sequence and biophysical properties (such as structural, functional, and spatial information, amino acid conservation, physicochemical variation, residue mobility, and thermodynamic stability) performed at Invitae indicates that this missense variant is expected to disrupt KCNT1 protein function.

NM_020822.3(KCNT1):c.3430T>C (p.Ser1144Pro)

Gene: KCNT1 (potassium sodium-activated channel subfamily T member 1; plus strand). Cytogenetic location: 9q34.3.
Variant type: single nucleotide variant.
Coding change: c.3430T>C on transcript NM_020822.3 (MANE Select); coding-DNA position 3430, T replaced by C.
Protein change: p.Ser1144Pro; replaces serine 1144 with proline.
Molecular consequence: missense variant.
Genome position (GRCh38, 1-based): chr9:135,786,449, T>C. VCF-style: chr9-135786449-T-C. GRCh37 (hg19) VCF-style: chr9-138678295-T-C.
Other names: c.3295T>C, p.Ser1099Pro (NM_001272003.2); short protein forms S1144P, S1099P.
Identifiers: ClinVar variation 1359560 (VCV001359560.6), dbSNP rs2131582898, ClinGen allele CA375492165.